The following is an entry in ClinVar:

NM_014466.3(TEKT2):c.783G>A (p.Thr261=)

Gene: TEKT2 (tektin 2; plus strand). Cytogenetic location: 1p34.3.
Variant type: single nucleotide variant.
Coding change: c.783G>A on transcript NM_014466.3 (MANE Select); coding-DNA position 783, G replaced by A.
Protein change: p.Thr261=; no amino-acid change (threonine 261 retained).
Molecular consequence: synonymous variant.
Genome position (GRCh38, 1-based): chr1:36,087,239, G>A. VCF-style: chr1-36087239-G-A. GRCh37 (hg19) VCF-style: chr1-36552840-G-A.
Identifiers: ClinVar variation 2638662 (VCV002638662.24), dbSNP rs146736752, ClinGen allele CA764287.

ClinVar aggregate classification (germline): Likely benign (1 of 4 stars; one submission).

Allele frequency attached by ClinVar (database versions not stated): 1000 Genomes Project 30x 0.00031; 1000 Genomes Project 0.00040; ExAC 0.00123; gnomAD 0.00125; TOPMed 0.00132; ESP Exome Variant Server 0.00192; gnomAD exomes 0.00213.
gnomAD v4.1: 3,303 of 1,614,114 alleles (0.2%); highest among the groups gnomAD compares: Non-Finnish European, 0.25%; 9 homozygotes.

Submission:

CeGaT Center for Human Genetics Tuebingen
Classification: Likely benign. Last evaluated: 2023-02-01. Review status: criteria provided, single submitter. Criteria: CeGaT Center For Human Genetics Tuebingen Variant Classification Criteria Version 2. Collection method: clinical testing. Allele origin: germline. Affected: yes. Observed: 1 variant allele.
Comment: TEKT2: BP4, BP7